The following is an entry in ClinVar:

NM_001372044.2(SHANK3):c.3327C>A (p.Ala1109=)

Gene: SHANK3 (SH3 and multiple ankyrin repeat domains 3; plus strand). Cytogenetic location: 22q13.33.
Variant type: single nucleotide variant.
Coding change: c.3327C>A on transcript NM_001372044.2 (MANE Select); coding-DNA position 3327, C replaced by A.
Protein change: p.Ala1109=; no amino-acid change (alanine 1109 retained).
Molecular consequence: synonymous variant.
Genome position (GRCh38, 1-based): chr22:50,720,935, C>A. VCF-style: chr22-50720935-C-A. GRCh37 (hg19) VCF-style: chr22-51159363-C-A.
Other names: c.3102C>A, p.Ala1034= (NM_033517.1).
Identifiers: ClinVar variation 3026164 (VCV003026164.22), dbSNP rs2083280388, ClinGen allele CA515260708.

ClinVar aggregate classification (germline): Likely benign (1 of 4 stars; one submission).

Allele frequency attached by ClinVar (database versions not stated): TOPMed below 0.00001; gnomAD 0.00001.

Submission:

CeGaT Center for Human Genetics Tuebingen
Classification: Likely benign. Last evaluated: 2024-01-01. Review status: criteria provided, single submitter. Criteria: CeGaT Center For Human Genetics Tuebingen Variant Classification Criteria Version 2. Collection method: clinical testing. Allele origin: germline. Affected: yes. Observed: 1 variant allele.
Comment: SHANK3: BP4